The following is an entry in ClinVar:

NM_005609.4(PYGM):c.1190T>C (p.Leu397Pro)

Gene: PYGM (glycogen phosphorylase, muscle associated; minus strand). Cytogenetic location: 11q13.1.
Variant type: single nucleotide variant.
Coding change: c.1190T>C on transcript NM_005609.4 (MANE Select); coding-DNA position 1190, T replaced by C.
Protein change: p.Leu397Pro; replaces leucine 397 with proline.
Molecular consequence: missense variant.
Genome position (GRCh38, 1-based): chr11:64,753,928, A>G on the plus strand (T>C on the coding strand, the complement: PYGM is on the minus strand). VCF-style: chr11-64753928-A-G. GRCh37 (hg19) VCF-style: chr11-64521400-A-G.
Other names: c.926T>C, p.Leu309Pro (NM_001164716.1); short protein forms L397P, L309P.
Identifiers: ClinVar variation 856628 (VCV000856628.22), dbSNP rs1005687078, ClinGen allele CA223900711.

ClinVar aggregate classification (germline): Pathogenic/Likely pathogenic. Review status: criteria provided, multiple submitters, no conflicts (2 of 4 stars). 7 submissions from 7 submitters: Pathogenic (1); Likely pathogenic (5). 1 of the submissions does not count toward it. Last evaluated 2026-01-13.

Conditions:
Glycogen storage disease, type V (GSD5). Also called: MCARDLE DISEASE; MUSCLE GLYCOGEN PHOSPHORYLASE DEFICIENCY; MYOPHOSPHORYLASE DEFICIENCY; PYGM DEFICIENCY; McArdle type glycogen storage disease. Identifiers: Orphanet 368, MedGen C0017924, MONDO:0009293, OMIM 232600.
Tip-toe gait. Also called: Toe walking. Identifiers: MedGen C0427144, HP:0030051.

Allele frequency attached by ClinVar (database versions not stated): TOPMed 0.00001; gnomAD 0.00003; gnomAD exomes 0.00002.
gnomAD v4.1: 26 of 1,596,322 alleles (0.0016%); highest among the groups gnomAD compares: Non-Finnish European, 0.0022%; no homozygotes.

Submissions (7):

Labcorp Genetics (formerly Invitae), Labcorp
Classification: Pathogenic for Glycogen storage disease, type V. Last evaluated: 2026-01-13. Review status: criteria provided, single submitter. Criteria: Invitae Variant Classification Sherloc (09022015). Collection method: clinical testing. Allele origin: germline.
Comment: This sequence change replaces leucine, which is neutral and non-polar, with proline, which is neutral and non-polar, at codon 397 of the PYGM protein (p.Leu397Pro). This variant is not present in population databases (gnomAD no frequency). This missense change has been observed in individual(s) with McArdle disease (PMID: 8535454, 9120482, 17404776). It has also been observed to segregate with disease in related individuals. This variant is also known as L396P or 396. ClinVar contains an entry for this variant (Variation ID: 856628). Invitae Evidence Modeling of protein sequence and biophysical properties (such as structural, functional, and spatial information, amino acid conservation, physicochemical variation, residue mobility, and thermodynamic stability) indicates that this missense variant is expected to disrupt PYGM protein function with a positive predictive value of 95%. For these reasons, this variant has been classified as Pathogenic.

Natera, Inc.
Classification: Likely pathogenic for Glycogen storage disease V. Last evaluated: 2025-07-29. Review status: criteria provided, single submitter. Criteria: Natera Variant Classification Schema (03/2026). Collection method: clinical testing. Allele origin: germline.
Comment: The c.1190T>C variant in PYGM is a missense variant predicted to cause substitution of leucine to proline at amino acid 397. This variant is rare in the general population with a frequency below the threshold expected for the associated phenotype(s). This variant has been observed in one or more individuals affected with the associated recessive disease, as either homozygous or compound heterozygous with a second variant (PMID: 34215481, 29350794, 17404776, 9120482). Computational prediction algorithms indicate this variant is likely to affect gene or protein function. Given the available evidence, this variant is classified as Likely Pathogenic.

Myriad Genetics, Inc.
Classification: Likely pathogenic for Glycogen storage disease, type V. Last evaluated: 2025-02-06. Review status: criteria provided, single submitter. Criteria: Myriad Autosomal Dominant, Autosomal Recessive and X-Linked Classification Criteria (2023). Collection method: clinical testing. Allele origin: unknown.
Comment: NM_005609.2(PYGM):c.1190T>C(L397P) is a missense variant classified as likely pathogenic in the context of glycogen storage disease, PYGM-related. L397P has been observed in cases with relevant disease (PMID: 9120482, 18098237, 17404776, 33234167). Relevant functional assessments of this variant are not available in the literature. L397P has been observed in referenced population frequency databases. In summary, NM_005609.2(PYGM):c.1190T>C(L397P) is a missense variant that has been observed more frequently in cases with the relevant disease than in healthy populations. Please note: this variant was assessed in the context of healthy population screening.

Baylor Genetics
Classification: Likely pathogenic for Glycogen storage disease, type V. Last evaluated: 2023-01-31. Review status: criteria provided, single submitter. Criteria: ACMG Guidelines, 2015. Collection method: clinical testing. Allele origin: unknown.

Revvity Omics, Revvity
Classification: Likely pathogenic for Glycogen storage disease, type V. Last evaluated: 2021-09-13. Review status: criteria provided, single submitter. Criteria: ACMG Guidelines, 2015. Collection method: clinical testing. Allele origin: germline.

GeneDx
Classification: Likely pathogenic. Last evaluated: 2019-04-17. Review status: criteria provided, single submitter. Criteria: GeneDx Variant Classification Process June 2021. Collection method: clinical testing. Allele origin: germline. Affected: yes.
Comment: Not observed in large population cohorts (Lek et al., 2016); In silico analysis, which includes protein predictors and evolutionary conservation, supports a deleterious effect; This variant is associated with the following publications: (PMID: 9120482, 21802952, 8535454, 29350794, 7603523, 17915571, 18098237, 17404776, 16786513)

Practice for Gait Abnormalities, David Pomarino, Competency Network Toe Walking C/o Practice Pomarino
Classification: Likely pathogenic for Tip-toe gait. Last evaluated: 2022-07-08. Review status: flagged submission. Collection method: clinical testing. Allele origin: germline. Affected: yes. Not counted in ClinVar's aggregate classification.
Comment: Toe Walking has various causes, ranging from idiopathic or habitual reasons to an underlying neuromuscular disease. The most observed form of toe walking is idiopathic toe walking (ITW) - a diagnosis of exclusion. ITW occurs in about 5% of children after their second birthday and is a common problem in pediatric orthopedics. In about 70% of these cases, there is spontaneous remission within six months of the onset of ITW. If the toe walk persists, one can assume the presence of a non-idiopathic form of toe walk (n-ITW). In n-ITW, the causes of the abnormal gait are neurological or myogenic. Differential diagnoses such as infantile cerebral palsy, muscular dystrophy, spinal amyotrophy and hereditary motor-sensory neuropathy as well as rare metabolic disorders of the musculature must be considered (Pomarino et al., 2018). In our clinical ITW consultation, we screen children with n-ITW for a genetic form of tiptoe gait using next generation sequencing for gene variants in 49 genes. These are genes in which gene variants can lead to neuromuscular diseases in which an association with toe-tapping gait has been reported or can be suspected due to patients’ clinical symptoms. To the best of our knowledge, this is the first study in which several patients with toe walking displayed heterozygosity for pathogenic or likely pathogenic PYGM mutations and mild symptoms of the metabolic muscle disease McArdle. The findings of our research are in line with recently published observations in heterozygous family members patients with McArdle disease. We should mention that some of the patients in our cohort harbored heterozygous variants in other genes of our gene panel. However, the numbers in this study were too small to workout any resulting combined genetic effects. It is concluded that genetic conditions can contribute to the development of toe walking. Apparently, even a slight genetic weakening of the muscles can lead to changes to the gait pattern. Future studies must show how the pathomechanism can be explained for the PYGM variants and whether there are new therapeutic approaches to be developed based on this research.
ClinVar note: Notes: This gene has insufficient supporting evidence for isolated Tip-Toe Gait.
ClinVar note: Reason: Claim with insufficient supporting evidence

Literature cited by the submitters: PubMed 8535454 (cited by Labcorp Genetics (formerly Invitae), Labcorp); PubMed 9120482 (cited by 3 submitters); PubMed 17404776 (cited by 3 submitters); PubMed 34215481 (cited by Natera, Inc.); PubMed 29350794 (cited by Natera, Inc.); PubMed 18098237 (cited by Myriad Genetics, Inc.); PubMed 33234167 (cited by Myriad Genetics, Inc.); PubMed 29881221 (cited by Practice for Gait Abnormalities, David Pomarino, Competency Network Toe Walking C/o Practice Pomarino); DOI 10.1016/j.rchot.2016.09.001 (cited by Practice for Gait Abnormalities, David Pomarino, Competency Network Toe Walking C/o Practice Pomarino); DOI 10.51793/OS.2022.25.6.010 (cited by Practice for Gait Abnormalities, David Pomarino, Competency Network Toe Walking C/o Practice Pomarino).